The following is an entry in ClinVar:

ClinVar aggregate classification (germline): Uncertain significance. Review status: criteria provided, multiple submitters, no conflicts (2 of 4 stars). 2 submissions from 2 submitters: Uncertain significance (2). Last evaluated 2026-06-24.

Conditions:
Inborn genetic diseases. Identifiers: MedGen C0950123, MeSH D030342.

Allele frequency attached by ClinVar (database versions not stated): gnomAD 0.00001; gnomAD exomes 0.00001; TOPMed below 0.00001.
gnomAD v4.1: 5 of 1,613,374 alleles (0.00031%); highest among the groups gnomAD compares: East Asian, 0.0022%; no homozygotes.

Submissions (2):

Ambry Genetics
Classification: Uncertain significance for Inborn genetic diseases. Last evaluated: 2026-06-24. Review status: criteria provided, single submitter. Criteria: Ambry Variant Classification Scheme 2023. Collection method: clinical testing. Allele origin: germline.
Comment: The c.1252G>A (p.G418S) alteration is located in exon 12 (coding exon 11) of the ATP6V0A1 gene. This alteration results from a G to A substitution at nucleotide position 1252, causing the glycine (G) at amino acid position 418 to be replaced by a serine (S). Based on data from gnomAD, the A allele has an overall frequency of 0.003% (1/31340) total alleles studied. The highest observed frequency was 0.012% (1/8704) of African alleles. Based on insufficient or conflicting evidence, the clinical significance of this alteration remains unclear.

GeneDx
Classification: Uncertain significance. Last evaluated: 2022-06-03. Review status: criteria provided, single submitter. Criteria: GeneDx Variant Classification Process June 2021. Collection method: clinical testing. Allele origin: germline. Affected: yes.
Comment: In silico analysis supports that this missense variant has a deleterious effect on protein structure/function; Has not been previously published as pathogenic or benign to our knowledge

NM_001130021.3(ATP6V0A1):c.1231G>A (p.Gly411Ser)

Gene: ATP6V0A1 (ATPase H+ transporting V0 subunit a1; plus strand). Cytogenetic location: 17q21.2.
Variant type: single nucleotide variant.
Coding change: c.1231G>A on transcript NM_001130021.3 (MANE Select); coding-DNA position 1231, G replaced by A.
Protein change: p.Gly411Ser; replaces glycine 411 with serine.
Molecular consequence: missense variant.
Genome position (GRCh38, 1-based): chr17:42,494,390, G>A. VCF-style: chr17-42494390-G-A. GRCh37 (hg19) VCF-style: chr17-40646408-G-A.
Other names: c.1102G>A, p.Gly368Ser (NM_001378538.1, NM_001378540.1); c.1252G>A, p.Gly418Ser (NM_001378539.1, NM_001378541.1, NM_001130020.3 and 3 more transcripts); c.1231G>A, p.Gly411Ser (NM_001378542.1, NM_001378544.1, NM_001378535.1 and 4 more transcripts); c.1072G>A, p.Gly358Ser (NM_001378543.1, NM_001378553.1); c.1021G>A, p.Gly341Ser (NM_001378545.1, NM_001378554.1, NM_001378555.1); c.1018G>A, p.Gly340Ser (NM_001378546.1, NM_001378547.1); c.1354G>A, p.Gly452Ser (NM_001378530.1, NM_001378533.1, NM_001378551.1 and 1 more transcripts); c.1375G>A, p.Gly459Ser (NM_001378531.1, NM_001378532.1); and 2 more; short protein forms G340S, G341S, G351S, G358S, G368S, G375S, G411S, G418S.
Identifiers: ClinVar variation 1801956 (VCV001801956.3), dbSNP rs1189944326, ClinGen allele CA399592360.